The following is an entry in ClinVar:

NM_000186.4(CFH):c.476G>A (p.Ser159Asn)

Gene: CFH (complement factor H; plus strand). Cytogenetic location: 1q31.3.
Variant type: single nucleotide variant.
Coding change: c.476G>A on transcript NM_000186.4 (MANE Select); coding-DNA position 476, G replaced by A.
Protein change: p.Ser159Asn; replaces serine 159 with asparagine.
Molecular consequence: missense variant.
Genome position (GRCh38, 1-based): chr1:196,677,524, G>A. VCF-style: chr1-196677524-G-A. GRCh37 (hg19) VCF-style: chr1-196646654-G-A.
Other names: p.Ser159Asn; c.476G>A, p.Ser159Asn (NM_001014975.3); short protein forms S159N.
Identifiers: ClinVar variation 1403152 (VCV001403152.11), dbSNP rs370640334, ClinGen allele CA1305072.

ClinVar aggregate classification (germline): Uncertain significance. Review status: criteria provided, multiple submitters, no conflicts (2 of 4 stars). 9 submissions from 6 submitters: Uncertain significance (9). Last evaluated 2026-05-19.

Conditions:
Basal laminar drusen. Also called: DRUSEN OF BRUCH MEMBRANE; DRUSEN, CUTICULAR; DRUSEN, EARLY ADULT-ONSET, GROUPED. Identifiers: Orphanet 75376, MedGen C0730295, MONDO:0007472, OMIM 126700.
Factor H deficiency (CFHD). Also called: CFH DEFICIENCY; COMPLEMENT FACTOR H DEFICIENCY. Identifiers: Orphanet 200421, MedGen C0398777, MONDO:0012350, OMIM 609814.
Age related macular degeneration 4. Identifiers: MedGen C1853147, MONDO:0012540, OMIM 610698.
Hemolytic uremic syndrome, atypical, susceptibility to, 1. Also called: AHUS, SUSCEPTIBILITY TO, 1. Identifiers: Orphanet 2134, Orphanet 90038, MedGen C2749604, MONDO:0009335, OMIM 235400. Disease mechanism: Other.
Atypical hemolytic-uremic syndrome. Identifiers: Orphanet 2134, MedGen C2931788, MONDO:0016244.

Allele frequency attached by ClinVar (database versions not stated): ExAC 0.00004; gnomAD exomes 0.00004 and 0.00014; gnomAD 0.00010 and 0.00011; TOPMed 0.00010; ESP Exome Variant Server 0.00015.
gnomAD v4.1: 216 of 1,613,060 alleles (0.013%); highest among the groups gnomAD compares: Non-Finnish European, 0.017%; no homozygotes.

Submissions (9):

Women's Health and Genetics/Laboratory Corporation of America, LabCorp
Classification: Uncertain significance. Last evaluated: 2026-05-19. Review status: criteria provided, single submitter. Criteria: LabCorp Variant Classification Summary - May 2015. Collection method: clinical testing. Allele origin: germline.
Comment: Variant summary: CFH c.476G>A (p.Ser159Asn) results in a conservative amino acid change in the encoded protein sequence. Algorithms developed to predict the effect of missense changes on protein structure and function all suggest that this variant is likely to be tolerated. The variant allele was found at a frequency of 3.6e-05 in 251078 control chromosomes. The available data on variant occurrences in the general population are insufficient to allow any conclusion about variant significance. c.476G>A has been observed in individual(s) affected with CFH-related conditions (Triebwasser_2015). These report(s) do not provide unequivocal conclusions about association of the variant with disease. At least one publication reports experimental evidence evaluating an impact on protein function (e.g. Wong_2020). These results showed no damaging effect of this variant. The following publications have been ascertained in the context of this evaluation (PMID: 26501415, 33519811). ClinVar contains an entry for this variant (Variation ID: 1403152). Based on the evidence outlined above, the variant was classified as uncertain significance.

Genomenon, Inc
Classification: Uncertain significance for Age related macular degeneration 4; Atypical hemolytic-uremic syndrome. Last evaluated: 2025-10-02. Review status: criteria provided, single submitter. Criteria: Genomenon Sequence Variant Interpretation Standards - Updated. Collection method: curation. Allele origin: germline. Affected: yes.
Comment: CFH p.Ser159Asn (c.476G>A) is a missense variant that changes the amino acid at residue 159 from Serine to Asparagine. This variant has been observed in at least one proband affected with a CFH-related disorder (PMID:26501415;30031798). Functional studies have been reported (PMID:33519811;34189567;27905547). It is absent or not present at a significant frequency in gnomAD. In silico models agree that this variant is not damaging. In conclusion, we classify CFH p.Ser159Asn (c.476G>A) as a variant of uncertain significance.

Labcorp Genetics (formerly Invitae), Labcorp
Classification: Uncertain significance. Last evaluated: 2025-10-02. Review status: criteria provided, single submitter. Criteria: Invitae Variant Classification Sherloc (09022015). Collection method: clinical testing. Allele origin: germline.
Comment: This sequence change replaces serine, which is neutral and polar, with asparagine, which is neutral and polar, at codon 159 of the CFH protein (p.Ser159Asn). The frequency data for this variant in the population databases is considered unreliable, as metrics indicate poor data quality at this position in the gnomAD database. This missense change has been observed in individual(s) with age-related macular degeneration (PMID: 26501415). ClinVar contains an entry for this variant (Variation ID: 1403152). An algorithm developed to predict the effect of missense changes on protein structure and function outputs the following: PolyPhen-2: "Possibly Damaging". The asparagine amino acid residue is found in multiple mammalian species, which suggests that this missense change does not adversely affect protein function. Experimental studies have shown that this missense change does not substantially affect CFH function (PMID: 33519811, 34189567). In summary, the available evidence is currently insufficient to determine the role of this variant in disease. Therefore, it has been classified as a Variant of Uncertain Significance.

Genome-Nilou Lab
Classification: Uncertain significance for Hemolytic uremic syndrome, atypical, susceptibility to, 1. Last evaluated: 2023-04-11. Review status: criteria provided, single submitter. Criteria: ACMG Guidelines, 2015. Collection method: clinical testing. Allele origin: germline. Affected: no.

Genome-Nilou Lab
Classification: Uncertain significance for Age related macular degeneration 4. Last evaluated: 2023-04-11. Review status: criteria provided, single submitter. Criteria: ACMG Guidelines, 2015. Collection method: clinical testing. Allele origin: germline. Affected: no.

Genome-Nilou Lab
Classification: Uncertain significance for Basal laminar drusen. Last evaluated: 2023-04-11. Review status: criteria provided, single submitter. Criteria: ACMG Guidelines, 2015. Collection method: clinical testing. Allele origin: germline. Affected: no.

Genome-Nilou Lab
Classification: Uncertain significance for Factor H deficiency. Last evaluated: 2023-04-11. Review status: criteria provided, single submitter. Criteria: ACMG Guidelines, 2015. Collection method: clinical testing. Allele origin: germline. Affected: no.

Mayo Clinic Laboratories, Mayo Clinic
Classification: Uncertain significance. Last evaluated: 2023-03-17. Review status: criteria provided, single submitter. Criteria: ACMG Guidelines, 2015. Collection method: clinical testing. Allele origin: germline. Observed: 2 variant alleles.
Comment: BS3, BP4, PS4_moderate

Fulgent Genetics
Classification: Uncertain significance for Basal laminar drusen; Hemolytic uremic syndrome, atypical, susceptibility to, 1; Factor H deficiency; Age related macular degeneration 4. Last evaluated: 2022-05-19. Review status: criteria provided, single submitter. Criteria: ACMG Guidelines, 2015. Collection method: clinical testing. Allele origin: unknown.

Literature cited by the submitters: PubMed 26501415 (cited by 4 submitters); PubMed 33519811 (cited by 4 submitters); PubMed 30031798 (cited by Genomenon, Inc); PubMed 34189567 (cited by 3 submitters); PubMed 27905547 (cited by Genomenon, Inc).